The following is an entry in ClinVar:

ClinVar aggregate classification (germline): Uncertain significance. Review status: criteria provided, multiple submitters, no conflicts (2 of 4 stars). 2 submissions from 2 submitters: Uncertain significance (2). Last evaluated 2025-12-02.

Allele frequency attached by ClinVar (database versions not stated): ExAC 0.00001; gnomAD exomes 0.00001; TOPMed 0.00004.
gnomAD v4.1: 9 of 1,614,032 alleles (0.00056%); highest among the groups gnomAD compares: African/African-American, 0.0013%; no homozygotes.

Submissions (2):

GeneDx
Classification: Uncertain significance. Last evaluated: 2025-12-02. Review status: criteria provided, single submitter. Criteria: GeneDx Variant Classification Process June 2021. Collection method: clinical testing. Allele origin: germline.
Comment: Not observed at significant frequency in large population cohorts (gnomAD); Missense variant in a gene in which most reported pathogenic variants are truncating/loss of function; Has not been previously published as pathogenic or benign to our knowledge

Revvity Omics, Revvity
Classification: Uncertain significance. Last evaluated: 2022-01-07. Review status: criteria provided, single submitter. Criteria: ACMG Guidelines, 2015. Collection method: clinical testing. Allele origin: germline.

NM_001267550.2(TTN):c.4843C>T (p.Leu1615Phe)

Genes: TTN (titin; minus strand), LOC101927055 (uncharacterized LOC101927055; plus strand). Cytogenetic location: 2q31.2.
Variant type: single nucleotide variant.
Coding change: c.4843C>T on transcript NM_001267550.2 (MANE Select); coding-DNA position 4843, C replaced by T.
Protein change: p.Leu1615Phe; replaces leucine 1615 with phenylalanine.
Molecular consequence: missense variant. On other transcripts: non-coding transcript variant (1).
Genome position (GRCh38, 1-based): chr2:178,777,021, G>A on the plus strand (C>T on the coding strand, the complement: TTN is on the minus strand). VCF-style: chr2-178777021-G-A. GRCh37 (hg19) VCF-style: chr2-179641748-G-A.
Other names: c.4843C>T, p.Leu1615Phe (NM_001256850.1, NM_133378.4, NM_133379.5); c.4705C>T, p.Leu1569Phe (NM_003319.4, NM_133432.3, NM_133437.4); short protein forms L1569F, L1615F.
Identifiers: ClinVar variation 2438371 (VCV002438371.5), dbSNP rs777977684, ClinGen allele CA2005252.